The following is an entry in ClinVar:

ClinVar aggregate classification (germline): Uncertain significance (1 of 4 stars; one submission).

Conditions:
Neuroblastoma, susceptibility to, 3. Also called: ALK-Related Neuroblastic Tumor Susceptibility. Identifiers: Orphanet 635, MedGen C2751681, MONDO:0013083, OMIM 613014.

Submission:

Labcorp Genetics (formerly Invitae), Labcorp
Classification: Uncertain significance for Neuroblastoma, susceptibility to, 3. Last evaluated: 2024-10-15. Review status: criteria provided, single submitter. Criteria: Invitae Variant Classification Sherloc (09022015). Collection method: clinical testing. Allele origin: germline.
Comment: This sequence change replaces methionine, which is neutral and non-polar, with valine, which is neutral and non-polar, at codon 580 of the ALK protein (p.Met580Val). This variant is not present in population databases (gnomAD no frequency). This variant has not been reported in the literature in individuals affected with ALK-related conditions. An algorithm developed to predict the effect of missense changes on protein structure and function (PolyPhen-2) suggests that this variant is likely to be tolerated. In summary, the available evidence is currently insufficient to determine the role of this variant in disease. Therefore, it has been classified as a Variant of Uncertain Significance.

NM_004304.5(ALK):c.1738A>G (p.Met580Val)

Gene: ALK (ALK receptor tyrosine kinase; minus strand). Cytogenetic location: 2p23.2.
Variant type: single nucleotide variant.
Coding change: c.1738A>G on transcript NM_004304.5 (MANE Select); coding-DNA position 1738, A replaced by G.
Protein change: p.Met580Val; replaces methionine 580 with valine.
Molecular consequence: missense variant.
Genome position (GRCh38, 1-based): chr2:29,296,967, T>C on the plus strand (A>G on the coding strand, the complement: ALK is on the minus strand). VCF-style: chr2-29296967-T-C. GRCh37 (hg19) VCF-style: chr2-29519833-T-C.
Other names: short protein forms M580V.
Identifiers: ClinVar variation 3718886 (VCV003718886.2).